The following is an entry in ClinVar:

NM_003476.5(CSRP3):c.185A>G (p.Tyr62Cys)

Gene: CSRP3 (cysteine and glycine rich protein 3; minus strand). Cytogenetic location: 11p15.1.
Variant type: single nucleotide variant.
Coding change: c.185A>G on transcript NM_003476.5 (MANE Select); coding-DNA position 185, A replaced by G.
Protein change: p.Tyr62Cys; replaces tyrosine 62 with cysteine.
Molecular consequence: missense variant. On other transcripts: intron variant (1).
Genome position (GRCh38, 1-based): chr11:19,188,232, T>C on the plus strand (A>G on the coding strand, the complement: CSRP3 is on the minus strand). VCF-style: chr11-19188232-T-C. GRCh37 (hg19) VCF-style: chr11-19209779-T-C.
Other names: c.113-1884A>G (NM_001369404.1); short protein forms Y62C.
Identifiers: ClinVar variation 1333651 (VCV001333651.1), dbSNP rs1850559519, ClinGen allele CA379888304.
Genomic context (GRCh38, chr11:19,188,232, plus strand): 5'-GTGCTGAGACAGCCAGCGCCTTGTCCATACCCGATCCCTTTGGGGCCATATCTGCGCCCA[T>C]AGCACACCTTGCAGTAGATCTCCGACTCATGAGCCGCGACTGTCGTGCTGTCAAGAGCCT-3'
Protein context (NP_003467.1, residues 52-72): HESEIYCKVC[Tyr62Cys]GRRYGPKGIG

ClinVar aggregate classification (germline): Uncertain significance (1 of 4 stars; one submission).

Conditions:
Hypertrophic cardiomyopathy 12. Identifiers: MedGen C2677491, MONDO:0012804, OMIM 612124.

Allele frequency attached by ClinVar (database versions not stated): TOPMed below 0.00001.

Submission:

3billion
Classification: Uncertain significance for Hypertrophic cardiomyopathy 12. Last evaluated: 2022-01-03. Review status: criteria provided, single submitter. Criteria: ACMG Guidelines, 2015. Collection method: clinical testing. Allele origin: germline. Affected: yes. Observed: 1 heterozygote.
Comment: The variant not observed in the gnomAD v2.1.1 dataset (PM2_M). In silico tool predictions suggest damaging effect of the variant on gene or gene product (REVEL: 0.922, PP3_P). A missense variant is a common mechanism associated with Cardiomyopathy (PP2_P). Therefore, this variant is classified as uncertain significance according to the recommendation of ACMG/AMP guideline.